The following is an entry in ClinVar:

NM_000038.6(APC):c.2743G>T (p.Val915Leu)

Gene: APC (APC regulator of Wnt signaling pathway; plus strand). Cytogenetic location: 5q22.2.
Variant type: single nucleotide variant.
Coding change: c.2743G>T on transcript NM_000038.6 (MANE Select); coding-DNA position 2743, G replaced by T.
Protein change: p.Val915Leu; replaces valine 915 with leucine.
Molecular consequence: missense variant.
Genome position (GRCh38, 1-based): chr5:112,838,337, G>T. VCF-style: chr5-112838337-G-T. GRCh37 (hg19) VCF-style: chr5-112174034-G-T.
Other names: c.2743G>T, p.Val915Leu (NM_001127510.3, NM_001354895.2); c.2689G>T, p.Val897Leu (NM_001127511.3); c.2797G>T, p.Val933Leu (NM_001354896.2); c.2773G>T, p.Val925Leu (NM_001354897.2); c.2668G>T, p.Val890Leu (NM_001354898.2); c.2659G>T, p.Val887Leu (NM_001354899.2); c.2620G>T, p.Val874Leu (NM_001354900.2); c.2566G>T, p.Val856Leu (NM_001354901.2); and 5 more; short protein forms V755L, V887L, V890L, V925L, V789L, V814L, V874L, V897L.
Identifiers: ClinVar variation 924234 (VCV000924234.12), dbSNP rs1446823177, ClinGen allele CA16027316.

ClinVar aggregate classification (germline): Uncertain significance. Review status: criteria provided, multiple submitters, no conflicts (2 of 4 stars). 4 submissions from 4 submitters: Uncertain significance (4). Last evaluated 2025-12-14.

Conditions:
Classic or attenuated familial adenomatous polyposis. Identifiers: MedGen CN372698, MONDO:0021057.
Hereditary cancer-predisposing syndrome. Also called: Neoplastic Syndromes, Hereditary; Tumor predisposition; Hereditary Cancer Syndrome; Hereditary neoplastic syndrome. Identifiers: Orphanet 140162, MedGen C0027672, MeSH D009386, MONDO:0015356.
Familial adenomatous polyposis 1 (FAP1). Also called: FAMILIAL ADENOMATOUS POLYPOSIS 1, ATTENUATED; POLYPOSIS, ADENOMATOUS INTESTINAL. Identifiers: MedGen C2713442, MONDO:0021056, OMIM 175100. Disease mechanism: loss of function.

Allele frequency attached by ClinVar (database versions not stated): gnomAD exomes below 0.00001.
gnomAD v4.1: 1 of 1,614,216 alleles (0.000062%); highest among the groups gnomAD compares: Non-Finnish European, 0.000085%; no homozygotes.

Submissions (4):

Labcorp Genetics (formerly Invitae), Labcorp
Classification: Uncertain significance for Familial adenomatous polyposis 1. Last evaluated: 2025-12-14. Review status: criteria provided, single submitter. Criteria: Invitae Variant Classification Sherloc (09022015). Collection method: clinical testing. Allele origin: germline.
Comment: This sequence change replaces valine, which is neutral and non-polar, with leucine, which is neutral and non-polar, at codon 915 of the APC protein (p.Val915Leu). This variant is not present in population databases (gnomAD no frequency). This variant has not been reported in the literature in individuals affected with APC-related conditions. ClinVar contains an entry for this variant (Variation ID: 924234). Invitae Evidence Modeling of protein sequence and biophysical properties (such as structural, functional, and spatial information, amino acid conservation, physicochemical variation, residue mobility, and thermodynamic stability) indicates that this missense variant is not expected to disrupt APC protein function with a negative predictive value of 95%. In summary, the available evidence is currently insufficient to determine the role of this variant in disease. Therefore, it has been classified as a Variant of Uncertain Significance.

Color Diagnostics, LLC DBA Color Health
Classification: Uncertain significance for Hereditary cancer-predisposing syndrome. Last evaluated: 2024-03-06. Review status: criteria provided, single submitter. Criteria: ACMG Guidelines, 2015. Collection method: clinical testing. Allele origin: germline.
Comment: This missense variant replaces valine with leucine at codon 915 of the APC protein. Computational prediction suggests that this variant may not impact protein structure and function (internally defined REVEL score threshold <= 0.5, PMID: 27666373). To our knowledge, functional studies have not been reported for this variant. This variant has not been reported in individuals affected with APC-related disorders in the literature. This variant has not been identified in the general population by the Genome Aggregation Database (gnomAD). The available evidence is insufficient to determine the role of this variant in disease conclusively. Therefore, this variant is classified as a Variant of Uncertain Significance.

All of Us Research Program, National Institutes of Health
Classification: Uncertain significance for Classic or attenuated familial adenomatous polyposis. Last evaluated: 2023-05-16. Review status: criteria provided, single submitter. Criteria: ACMG Guidelines, 2015. Collection method: clinical testing. Allele origin: germline. Inheritance: Autosomal dominant inheritance. Observed: 1 variant allele, 1 heterozygote.
Comment: This missense variant replaces valine with leucine at codon 915 of the APC protein. Computational prediction tool suggests that this variant may not impact protein structure and function (internally defined REVEL score threshold <=0.5, PMID: 27666373). Splice site prediction tools suggest that this variant may not impact RNA splicing. To our knowledge, functional studies have not been performed for this variant. This variant has not been reported in individuals affected with hereditary cancer in the literature. This variant has not been identified in the general population by the Genome Aggregation Database (gnomAD). The available evidence is insufficient to determine the role of this variant in disease conclusively. Therefore, this variant is classified as a Variant of Uncertain Significance.

This study involves interpretation of variants in research participants for the purpose of population health screening. Participant phenotype was not available at the time of variant classification. Additional details can be found in publication PMID: 35346344, PMCID: PMC8962531

Ambry Genetics
Classification: Uncertain significance for Hereditary cancer-predisposing syndrome. Last evaluated: 2023-01-28. Review status: criteria provided, single submitter. Criteria: Ambry Variant Classification Scheme 2023. Collection method: clinical testing. Allele origin: germline.
Comment: The p.V915L variant (also known as c.2743G>T), located in coding exon 15 of the APC gene, results from a G to T substitution at nucleotide position 2743. The valine at codon 915 is replaced by leucine, an amino acid with highly similar properties. This amino acid position is conserved. In addition, in silico predictors for this gene do not accurately predict pathogenicity. Since supporting evidence is limited at this time, the clinical significance of this alteration remains unclear.